The following is an entry in ClinVar:

ClinVar aggregate classification (germline): Pathogenic/Likely pathogenic. Review status: criteria provided, multiple submitters, no conflicts (2 of 4 stars). 2 submissions from 2 submitters: Pathogenic (1); Likely pathogenic (1). Last evaluated 2021-09-03.

Conditions:
8q24.3 microdeletion syndrome. Also called: CHROMOSOME 8q24.3 DELETION SYNDROME; Verheij syndrome. Identifiers: Orphanet 508488, MedGen C3810023, MONDO:0014263, OMIM 615583.

Submissions (2):

Revvity Omics, Revvity
Classification: Likely pathogenic for 8q24.3 microdeletion syndrome. Last evaluated: 2021-09-03. Review status: criteria provided, single submitter. Criteria: ACMG Guidelines, 2015. Collection method: clinical testing. Allele origin: germline.

GeneDx
Classification: Pathogenic. Last evaluated: 2021-01-21. Review status: criteria provided, single submitter. Criteria: GeneDx Variant Classification Process June 2021. Collection method: clinical testing. Allele origin: germline. Affected: yes.
Comment: Nonsense variant predicted to result in protein truncation or nonsense mediated decay in a gene for which loss-of-function is a known mechanism of disease; Not observed in large population cohorts (Lek et al., 2016); Has not been previously published as pathogenic or benign to our knowledge

NM_078480.3(PUF60):c.713C>G (p.Ser238Ter)

Gene: PUF60 (poly(U) binding splicing factor 60; minus strand). Cytogenetic location: 8q24.3.
Variant type: single nucleotide variant.
Coding change: c.713C>G on transcript NM_078480.3 (MANE Select); coding-DNA position 713, C replaced by G.
Protein change: p.Ser238Ter; replaces serine 238 with a stop codon.
Molecular consequence: nonsense.
Genome position (GRCh38, 1-based): chr8:143,817,966, G>C on the plus strand (C>G on the coding strand, the complement: PUF60 is on the minus strand). VCF-style: chr8-143817966-G-C. GRCh37 (hg19) VCF-style: chr8-144900136-G-C.
Other names: c.584C>G, p.Ser195Ter (NM_001136033.3); c.659C>G, p.Ser220Ter (NM_001271096.2); c.575C>G, p.Ser192Ter (NM_001271097.2); c.710C>G, p.Ser237Ter (NM_001271098.2); c.626C>G, p.Ser209Ter (NM_001271099.2); c.533C>G, p.Ser178Ter (NM_001271100.2); c.824C>G, p.Ser275Ter (NM_001362895.2, NM_001362896.2); c.773C>G, p.Ser258Ter (NM_001362897.2); and 1 more; short protein forms S238*, S209*, S192*, S237*, S258*, S275*, S178*, S195*.
Identifiers: ClinVar variation 488889 (VCV000488889.8), dbSNP rs1554643099, ClinGen allele CA372490480.
Genomic context (GRCh38, chr8:143,817,966, plus strand): 5'-GCCAGTGTGCAGGACTTGATCTTGCCAAAGGCCTCAAACACGCTCTTGATGTCATCGTCT[G>C]AGAGGTCCTGGTGCACAGAGGCCACGTAGATGCGGTTGAAGGCCCGTGCCTCCTCAGCCA-3'